The following is an entry in ClinVar:

ClinVar aggregate classification (germline): Uncertain significance (1 of 4 stars; one submission).

Submission:

Women's Health and Genetics/Laboratory Corporation of America, LabCorp
Classification: Uncertain significance. Last evaluated: 2024-02-27. Review status: criteria provided, single submitter. Criteria: LabCorp Variant Classification Summary - May 2015. Collection method: clinical testing. Allele origin: germline.
Comment: Variant summary: TIAM1 c.1412-5C>T alters a non-conserved nucleotide located close to a canonical splice site and therefore could affect mRNA splicing, leading to a significantly altered protein sequence. Consensus agreement among computation tools predict no significant impact on normal splicing. However, these predictions have yet to be confirmed by functional studies. The variant was absent in 216254 control chromosomes. The available data on variant occurrences in the general population are insufficient to allow any conclusion about variant significance. To our knowledge, no occurrence of c.1412-5C>T in individuals affected with Neurodevelopmental Disorder With Language Delay And Seizures and no experimental evidence demonstrating its impact on protein function have been reported. No submitters have cited clinical-significance assessments for this variant to ClinVar. Based on the evidence outlined above, the variant was classified as uncertain significance.

NM_001353694.2(TIAM1):c.1412-5C>T

Gene: TIAM1 (TIAM Rac1 associated GEF 1; minus strand). Cytogenetic location: 21q22.11.
Variant type: single nucleotide variant.
Coding change: c.1412-5C>T on transcript NM_001353694.2 (MANE Select); 5 bases into the intron before coding-DNA position 1412, C replaced by T.
Molecular consequence: intron variant.
Genome position (GRCh38, 1-based): chr21:31,245,665, G>A on the plus strand (C>T on the coding strand, the complement: TIAM1 is on the minus strand). VCF-style: chr21-31245665-G-A. GRCh37 (hg19) VCF-style: chr21-32617981-G-A.
Other names: c.1412-5C>T (NM_001353690.1, NM_003253.3, NM_001353688.1 and 6 more transcripts).
Identifiers: ClinVar variation 3069007 (VCV003069007.2), dbSNP rs2071463399, ClinGen allele CA2385683236.
Genomic context (GRCh38, chr21:31,245,665, plus strand): 5'-GCTGTTGTGGTCTATCCCAGACCTGCCGTCGCTCTCGTAGAAAAATAGCGTGCATCCTGA[G>A]GAAACAGAACAGGGGTGTGCATGAGTATTCAGTGCTTGGGAAACAAAAGAACCCACAGTT-3'